The following is an entry in ClinVar:

NM_002887.4(RARS1):c.1275G>A (p.Met425Ile)

Gene: RARS1 (arginyl-tRNA synthetase 1; plus strand). Cytogenetic location: 5q34.
Variant type: single nucleotide variant.
Coding change: c.1275G>A on transcript NM_002887.4 (MANE Select); coding-DNA position 1275, G replaced by A.
Protein change: p.Met425Ile; replaces methionine 425 with isoleucine.
Molecular consequence: missense variant.
Genome position (GRCh38, 1-based): chr5:168,506,760, G>A. VCF-style: chr5-168506760-G-A. GRCh37 (hg19) VCF-style: chr5-167933765-G-A.
Other names: short protein forms M425I.
Identifiers: ClinVar variation 3622627 (VCV003622627.2).

ClinVar aggregate classification (germline): Uncertain significance (1 of 4 stars; one submission).

gnomAD v4.1: 3 of 1,613,636 alleles (0.00019%); highest among the groups gnomAD compares: Non-Finnish European, 0.00025%; no homozygotes.

Submission:

Labcorp Genetics (formerly Invitae), Labcorp
Classification: Uncertain significance. Last evaluated: 2024-08-27. Review status: criteria provided, single submitter. Criteria: Invitae Variant Classification Sherloc (09022015). Collection method: clinical testing. Allele origin: germline.
Comment: This sequence change replaces methionine, which is neutral and non-polar, with isoleucine, which is neutral and non-polar, at codon 425 of the RARS protein (p.Met425Ile). This variant is present in population databases (rs759672013, gnomAD 0.0009%). This variant has not been reported in the literature in individuals affected with RARS-related conditions. Invitae Evidence Modeling of protein sequence and biophysical properties (such as structural, functional, and spatial information, amino acid conservation, physicochemical variation, residue mobility, and thermodynamic stability) indicates that this missense variant is not expected to disrupt RARS protein function with a negative predictive value of 80%. In summary, the available evidence is currently insufficient to determine the role of this variant in disease. Therefore, it has been classified as a Variant of Uncertain Significance.